The following is an entry in ClinVar:

ClinVar aggregate classification (germline): Conflicting classifications of pathogenicity. Review status: criteria provided, conflicting classifications (1 of 4 stars). 3 submissions from 3 submitters: Uncertain significance (1); Likely benign (1). 1 of the submissions does not count toward it. Last evaluated 2025-09-22.

Conditions:
GAS2L2-related disorder. Also called: GAS2L2-related condition.

gnomAD v4.1: 684 of 1,613,794 alleles (0.042%); highest among the groups gnomAD compares: African/African-American, 0.74%; 5 homozygotes.

Submissions (3):

Ambry Genetics
Classification: Uncertain significance. Last evaluated: 2025-09-22. Review status: criteria provided, single submitter. Criteria: Ambry Variant Classification Scheme 2023. Collection method: clinical testing. Allele origin: germline.

Blueprint Genetics
Classification: Likely benign. Last evaluated: 2024-11-13. Review status: criteria provided, single submitter. Criteria: ACMG Guidelines, 2015. Collection method: clinical testing. Allele origin: germline.

PreventionGenetics, part of Exact Sciences
Classification: Likely benign for GAS2L2-related condition. Last evaluated: 2024-09-04. Review status: no assertion criteria provided. Collection method: clinical testing. Allele origin: germline. Not counted in ClinVar's aggregate classification.
Comment: This variant is classified as likely benign based on ACMG/AMP sequence variant interpretation guidelines (Richards et al. 2015 PMID: 25741868, with internal and published modifications).

NM_139285.4(GAS2L2):c.879G>T (p.Gln293His)

Gene: GAS2L2 (growth arrest specific 2 like 2; minus strand). Cytogenetic location: 17q12.
Variant type: single nucleotide variant.
Coding change: c.879G>T on transcript NM_139285.4 (MANE Select); coding-DNA position 879, G replaced by T.
Protein change: p.Gln293His; replaces glutamine 293 with histidine.
Molecular consequence: missense variant.
Genome position (GRCh38, 1-based): chr17:35,747,222, C>A on the plus strand (G>T on the coding strand, the complement: GAS2L2 is on the minus strand). VCF-style: chr17-35747222-C-A. GRCh37 (hg19) VCF-style: chr17-34074241-C-A.
Other names: short protein forms Q293H.
Identifiers: ClinVar variation 3352751 (VCV003352751.3).
Genomic context (GRCh38, chr17:35,747,222, plus strand): 5'-GCGGCTGATGGTCATTGTAGGCTGGGTCTGTGAGGGTCCATCCTGTACCCTTACTTCATG[C>A]TGCACTGGTGGGGCCGGGGGCTTCAGGAAGCTGCCTGGCTTGTGTGCTACCAACAGTCCC-3'
Protein context (NP_644814.1, residues 283-303): SFLKPPAPPV[Gln293His]HEVRVQDGPS